The following is an entry in ClinVar:

NM_004959.5(NR5A1):c.895C>T (p.Gln299Ter)

Gene: NR5A1 (nuclear receptor subfamily 5 group A member 1; minus strand). Cytogenetic location: 9q33.3.
Variant type: single nucleotide variant.
Coding change: c.895C>T on transcript NM_004959.5 (MANE Select); coding-DNA position 895, C replaced by T.
Protein change: p.Gln299Ter; replaces glutamine 299 with a stop codon.
Molecular consequence: nonsense.
Genome position (GRCh38, 1-based): chr9:124,493,125, G>A on the plus strand (C>T on the coding strand, the complement: NR5A1 is on the minus strand). VCF-style: chr9-124493125-G-A. GRCh37 (hg19) VCF-style: chr9-127255404-G-A.
Other names: short protein forms Q299*.
Identifiers: ClinVar variation 1412226 (VCV001412226.6), dbSNP rs1564150329, ClinGen allele CA374882603.

ClinVar aggregate classification (germline): Pathogenic (1 of 4 stars; one submission).

Conditions:
46 XY differences of sex development. Also called: 46, XY disorder of sex development (DSD); 46,XY disorder of sex development. Identifiers: Orphanet 98085, MedGen C2751824, MONDO:0020040.
Oligosynaptic infertility (SPGF1). Also called: SPERMATOGENIC FAILURE 1; OLIGOCHIASMATIC INFERTILITY. Identifiers: MedGen C0403810, MONDO:0009776, OMIM 258150.

Submission:

Labcorp Genetics (formerly Invitae), Labcorp
Classification: Pathogenic for 46 XY differences of sex development; Oligosynaptic infertility. Last evaluated: 2021-06-28. Review status: criteria provided, single submitter. Criteria: Invitae Variant Classification Sherloc (09022015). Collection method: clinical testing. Allele origin: germline.
Comment: This sequence change creates a premature translational stop signal (p.Gln299*) in the NR5A1 gene. It is expected to result in an absent or disrupted protein product. Loss-of-function variants in NR5A1 are known to be pathogenic (PMID: 10369247, 11038323, 12907682, 19246354, 20887963). This variant is not present in population databases (ExAC no frequency). This variant has not been reported in the literature in individuals affected with NR5A1-related conditions. For these reasons, this variant has been classified as Pathogenic.

Literature cited by the submitters: PubMed 10369247; PubMed 11038323; PubMed 12907682; PubMed 19246354; PubMed 20887963.